The following is an entry in ClinVar:

ClinVar aggregate classification (germline): Pathogenic/Likely pathogenic. Review status: criteria provided, multiple submitters, no conflicts (2 of 4 stars). 3 submissions from 3 submitters: Pathogenic (1); Likely pathogenic (1). 1 of the submissions does not count toward it. Last evaluated 2023-01-25.

Conditions:
Hypotonia, infantile, with psychomotor retardation and characteristic facies 1 (INNFD). Identifiers: Orphanet 371364, Orphanet 700336, MedGen C3809454, MONDO:0024567, OMIM 615419.

Submissions (3):

Broad Center for Mendelian Genomics, Broad Institute of MIT and Harvard
Classification: Likely pathogenic for Hypotonia, infantile, with psychomotor retardation and characteristic facies 1. Last evaluated: 2023-01-25. Review status: criteria provided, single submitter. Criteria: ACMG Guidelines, 2015. Collection method: curation. Allele origin: germline. Inheritance: Autosomal recessive inheritance.
Comment: The p.Trp179fsTer1 variant in NALCN has been previously reported in 2 individuals with infantile hypotonia with psychomotor retardation and characteristic facies 1 (PMID: 30167850, SCV002573031.1). These 2 affected individuals were homozygotes, which increases the likelihood that the p.Trp179fsTer1 variant is pathogenic. This variant has also been reported in ClinVar (Variation ID: 684711) and has been interpreted as pathogenic by 3billion and the Yale Center for Mendelian Genomics. This variant was absent from large population studies. This variant is predicted to cause a frameshift, which alters the protein‚Äôs amino acid sequence beginning at position 179 and leads to a premature termination codon 1 amino acid downstream. This alteration is then predicted to lead to a truncated or absent protein. Loss of function of the NALCN gene is strongly associated to autosomal recessive infantile hypotonia with psychomotor retardation and characteristic facies 1. In summary, although additional studies are required to fully establish its clinical significance, this variant is likely pathogenic for autosomal recessive infantile hypotonia with psychomotor retardation and characteristic facies 1. ACMG/AMP Criteria applied: PVS1_Strong, PM2_Supporting, PM3 (Richards 2015).

3billion
Classification: Pathogenic for Hypotonia, infantile, with psychomotor retardation and characteristic facies 1. Last evaluated: 2022-09-01. Review status: criteria provided, single submitter. Criteria: ACMG Guidelines, 2015. Collection method: clinical testing. Allele origin: germline. Affected: yes. Observed: 1 homozygote.
Comment: The variant is not observed in the gnomAD v2.1.1 dataset. Frameshift variant is predicted to result in a loss or disruption of normal protein function through nonsense-mediated decay (NMD) or protein truncation. Multiple pathogenic variants are reported downstream of the variant. The variant has been reported to be associated with NALCN-related disorder (ClinVar ID: VCV000684711 / PMID: 30167850). Therefore, this variant is classified as Pathogenic according to the recommendation of ACMG/AMP guideline.

Yale Center for Mendelian Genomics, Yale University
Classification: Pathogenic for Hypotonia, infantile, with psychomotor retardation and characteristic facies 1. Last evaluated: 2018-08-23. Review status: no assertion criteria provided. Collection method: literature only. Allele origin: germline. Affected: yes. Observed: 1 homozygote. Not counted in ClinVar's aggregate classification.

Literature cited by the submitters: PubMed 30167850 (cited by 3billion and Yale Center for Mendelian Genomics, Yale University).

NM_052867.4(NALCN):c.537del (p.Ile178_Trp179insTer)

Gene: NALCN (sodium leak channel, non-selective; minus strand). Cytogenetic location: 13q33.1.
Variant type: Deletion.
Coding change: c.537del on transcript NM_052867.4 (MANE Select); coding-DNA position 537, one base deleted (G; older notation c.537delG).
Protein change: p.Ile178_Trp179insTer.
Molecular consequence: nonsense.
Genome position (GRCh38, 1-based): chr13:101,376,807, C deleted on the plus strand (G on the coding strand, the reverse complement: NALCN is on the minus strand); the first of 2 consecutive C bases (chr13:101,376,807-101,376,808); deleting either gives the same sequence. VCF-style (leftmost placement, unchanged base first): chr13-101376806-TC-T. GRCh37 (hg19) VCF-style: chr13-102029157-TC-T.
Other names: NM_052867.4(NALCN):c.537del; p.Ile178_Trp179insTer; c.537del, p.Ile178_Trp179insTer (NM_001350748.2, NM_001350749.2, NM_001350750.2 and 1 more transcripts).
Identifiers: ClinVar variation 684711 (VCV000684711.4), dbSNP rs1594759803, ClinGen allele CA915948880.